The following is an entry in ClinVar:

ClinVar aggregate classification (germline): Uncertain significance. Review status: criteria provided, multiple submitters, no conflicts (2 of 4 stars). 2 submissions from 2 submitters: Uncertain significance (2). Last evaluated 2025-10-06.

Conditions:
Cardiovascular phenotype. Identifiers: MedGen CN230736.
Ehlers-Danlos syndrome, classic type, 1 (EDSCL1). Also called: EHLERS-DANLOS SYNDROME, GRAVIS TYPE; EHLERS-DANLOS SYNDROME, SEVERE CLASSIC TYPE; Ehlers-Danlos syndrome, type 1; Ehlers-Danlos Syndrome, Classic Type, COL5A1-Related; EDS I. Identifiers: MedGen C0268335, MONDO:0019567, OMIM 130000.
Osteogenesis imperfecta type I (OI1). Also called: OI, TYPE I; OSTEOGENESIS IMPERFECTA TARDA; OSTEOGENESIS IMPERFECTA WITH BLUE SCLERAE; Osteogenesis imperfecta type 1; Lobstein's Disease; Lobstein disease. Identifiers: Orphanet 216796, Orphanet 666, MedGen C0023931, MONDO:0008146, OMIM 166200. Disease mechanism: loss of function.

Submissions (2):

Ambry Genetics
Classification: Uncertain significance for Cardiovascular phenotype. Last evaluated: 2025-10-06. Review status: criteria provided, single submitter. Criteria: Ambry Variant Classification Scheme 2023. Collection method: clinical testing. Allele origin: germline.
Comment: The p.P840S variant (also known as c.2518C>T), located in coding exon 40 of the COL1A2 gene, results from a C to T substitution at nucleotide position 2518. The proline at codon 840 is replaced by serine, an amino acid with similar properties. This amino acid position is not well conserved in available vertebrate species. In addition, the in silico prediction for this alteration is inconclusive. Based on the available evidence, the clinical significance of this variant remains unclear.

Labcorp Genetics (formerly Invitae), Labcorp
Classification: Uncertain significance for Osteogenesis imperfecta type I; Ehlers-Danlos syndrome, classic type, 1. Last evaluated: 2024-07-09. Review status: criteria provided, single submitter. Criteria: Invitae Variant Classification Sherloc (09022015). Collection method: clinical testing. Allele origin: germline.
Comment: This sequence change replaces proline, which is neutral and non-polar, with serine, which is neutral and polar, at codon 840 of the COL1A2 protein (p.Pro840Ser). This variant is not present in population databases (gnomAD no frequency). This variant has not been reported in the literature in individuals affected with COL1A2-related conditions. Advanced modeling of protein sequence and biophysical properties (such as structural, functional, and spatial information, amino acid conservation, physicochemical variation, residue mobility, and thermodynamic stability) performed at Invitae indicates that this missense variant is not expected to disrupt COL1A2 protein function with a negative predictive value of 95%. In summary, the available evidence is currently insufficient to determine the role of this variant in disease. Therefore, it has been classified as a Variant of Uncertain Significance.

NM_000089.4(COL1A2):c.2518C>T (p.Pro840Ser)

Gene: COL1A2 (collagen type I alpha 2 chain; plus strand). Cytogenetic location: 7q21.3.
Variant type: single nucleotide variant.
Coding change: c.2518C>T on transcript NM_000089.4 (MANE Select); coding-DNA position 2518, C replaced by T.
Protein change: p.Pro840Ser; replaces proline 840 with serine.
Molecular consequence: missense variant.
Genome position (GRCh38, 1-based): chr7:94,423,071, C>T. VCF-style: chr7-94423071-C-T. GRCh37 (hg19) VCF-style: chr7-94052383-C-T.
Other names: short protein forms P840S.
Identifiers: ClinVar variation 3764021 (VCV003764021.3).